The following is an entry in ClinVar:

ClinVar aggregate classification (germline): Uncertain significance (1 of 4 stars; one submission).

Allele frequency attached by ClinVar (database versions not stated): TOPMed below 0.00001; ExAC 0.00001; gnomAD 0.00001; gnomAD exomes 0.00002.
gnomAD v4.1: 25 of 1,612,782 alleles (0.0016%); highest among the groups gnomAD compares: Non-Finnish European, 0.0021%; no homozygotes.

Submission:

Ambry Genetics
Classification: Uncertain significance. Last evaluated: 2024-03-18. Review status: criteria provided, single submitter. Criteria: Ambry Variant Classification Scheme 2023. Collection method: clinical testing. Allele origin: germline.
Comment: The p.Y189C variant (also known as c.566A>G), located in coding exon 1 of the EGLN2 gene, results from an A to G substitution at nucleotide position 566. The tyrosine at codon 189 is replaced by cysteine, an amino acid with highly dissimilar properties. This amino acid position is conserved. In addition, this alteration is predicted to be tolerated by in silico analysis. Since supporting evidence is limited at this time, the clinical significance of this alteration remains unclear.

NM_080732.4(EGLN2):c.566A>G (p.Tyr189Cys)

Genes: EGLN2 (egl-9 family hypoxia inducible factor 2; plus strand), RAB4B-EGLN2 (RAB4B-EGLN2 readthrough (NMD candidate); plus strand). Cytogenetic location: 19q13.2.
Variant type: single nucleotide variant.
Coding change: c.566A>G on transcript NM_080732.4 (MANE Select); coding-DNA position 566, A replaced by G.
Protein change: p.Tyr189Cys; replaces tyrosine 189 with cysteine.
Molecular consequence: missense variant. On other transcripts: non-coding transcript variant (1).
Genome position (GRCh38, 1-based): chr19:40,801,138, A>G. VCF-style: chr19-40801138-A-G. GRCh37 (hg19) VCF-style: chr19-41307043-A-G.
Other names: c.566A>G, p.Tyr189Cys (NM_053046.4); short protein forms Y189C.
Identifiers: ClinVar variation 1748942 (VCV001748942.2), dbSNP rs758526793, ClinGen allele CA9452246.
Genomic context (GRCh38, chr19:40,801,138, plus strand): 5'-CGCTGCCCTCTGCGCCCGAGCGCCTGGCCCTGGACTATATCGTGCCCTGCATGCGGTACT[A>G]CGGCATCTGCGTCAAGGACAGCTTCCTGGGGGCAGCACTGGGCGGTCGCGTGCTGGCCGA-3'
Protein context (NP_542770.2, residues 179-199): LDYIVPCMRY[Tyr189Cys]GICVKDSFLG